The following is an entry in ClinVar:

NM_000516.7(GNAS):c.415G>A (p.Asp139Asn)

Gene: GNAS (GNAS complex locus; plus strand). Cytogenetic location: 20q13.32.
Variant type: single nucleotide variant.
Coding change: c.415G>A on transcript NM_000516.7 (MANE Select); coding-DNA position 415, G replaced by A.
Protein change: p.Asp139Asn; replaces aspartic acid 139 with asparagine.
Molecular consequence: missense variant. On other transcripts: 3 prime UTR variant (2).
Genome position (GRCh38, 1-based): chr20:58,903,774, G>A. VCF-style: chr20-58903774-G-A. GRCh37 (hg19) VCF-style: chr20-57478829-G-A.
Other names: c.418G>A, p.Asp140Asn (NM_001077488.5); c.370G>A, p.Asp124Asn (NM_001077489.4); c.*276G>A (NM_001077490.3); c.238G>A, p.Asp80Asn (NM_001309840.2, NM_001309861.2); c.319G>A, p.Asp107Asn (NM_001410912.1); c.2299G>A, p.Asp767Asn (NM_001410913.1); c.*321G>A (NM_016592.5); c.2344G>A, p.Asp782Asn (NM_080425.4); and 2 more; short protein forms D107N, D125N, D139N, D782N, D124N, D767N, D80N, D140N.
Identifiers: ClinVar variation 2776070 (VCV002776070.4), dbSNP rs753210957, ClinGen allele CA9927078.

ClinVar aggregate classification (germline): Uncertain significance. Review status: criteria provided, multiple submitters, no conflicts (2 of 4 stars). 2 submissions from 2 submitters: Uncertain significance (2). Last evaluated 2025-08-18.

Conditions:
GNAS-related disorder. Identifiers: MedGen CN380105.

Allele frequency attached by ClinVar (database versions not stated): TOPMed below 0.00001; gnomAD exomes 0.00001; ExAC 0.00002.
gnomAD v4.1: 7 of 1,613,992 alleles (0.00043%); highest among the groups gnomAD compares: Admixed American, 0.012%; no homozygotes.

Submissions (2):

PreventionGenetics, part of Exact Sciences
Classification: Uncertain significance for GNAS-related condition. Last evaluated: 2025-08-18. Review status: criteria provided, single submitter. Criteria: ACMG Guidelines, 2015. Collection method: clinical testing. Allele origin: germline.
Comment: The GNAS c.415G>A variant is predicted to result in the amino acid substitution p.Asp139Asn. To our knowledge, this variant has not been reported in the literature. This variant is reported in 0.020% of alleles in individuals of Latino descent in gnomAD. At this time, the clinical significance of this variant is uncertain due to the absence of conclusive functional and genetic evidence.

Labcorp Genetics (formerly Invitae), Labcorp
Classification: Uncertain significance. Last evaluated: 2024-04-08. Review status: criteria provided, single submitter. Criteria: Invitae Variant Classification Sherloc (09022015). Collection method: clinical testing. Allele origin: germline.
Comment: This sequence change replaces aspartic acid, which is acidic and polar, with asparagine, which is neutral and polar, at codon 139 of the GNAS protein (p.Asp139Asn). This variant is present in population databases (rs753210957, gnomAD 0.02%). This variant has not been reported in the literature in individuals affected with GNAS-related conditions. Advanced modeling of protein sequence and biophysical properties (such as structural, functional, and spatial information, amino acid conservation, physicochemical variation, residue mobility, and thermodynamic stability) performed at Invitae indicates that this missense variant is not expected to disrupt GNAS protein function with a negative predictive value of 80%. In summary, the available evidence is currently insufficient to determine the role of this variant in disease. Therefore, it has been classified as a Variant of Uncertain Significance.